The following is an entry in ClinVar:

NM_152564.5(VPS13B):c.9475A>G (p.Ile3159Val)

Gene: VPS13B (vacuolar protein sorting 13 homolog B; plus strand). Cytogenetic location: 8q22.2.
Variant type: single nucleotide variant.
Coding change: c.9475A>G on transcript NM_152564.5 (MANE Select); coding-DNA position 9475, A replaced by G.
Protein change: p.Ile3159Val; replaces isoleucine 3159 with valine.
Molecular consequence: missense variant.
Genome position (GRCh38, 1-based): chr8:99,832,513, A>G. VCF-style: chr8-99832513-A-G. GRCh37 (hg19) VCF-style: chr8-100844741-A-G.
Other names: c.9475A>G (NM_152564.4); c.9550A>G (NM_017890.3); c.9550A>G, p.Ile3184Val (NM_017890.5); short protein forms I3159V, I3184V.
Identifiers: ClinVar variation 1384231 (VCV001384231.7), dbSNP rs905882677, ClinGen allele CA182337264.
Genomic context (GRCh38, chr8:99,832,513, plus strand): 5'-TGGGACTTGATGCCTGACATCAGTCAGTCAGTACTGGATGCATCCCTGCTTCAGAAACAG[A>G]TCATGCTGGGCTTTTCTCCTGCCCCAGGTGCTGACAGCTCACAGTGCTGGAGCCTGCCAG-3'
Protein context (NP_689777.3, residues 3149-3169): VLDASLLQKQ[Ile3159Val]MLGFSPAPGA

ClinVar aggregate classification (germline): Uncertain significance. Review status: criteria provided, multiple submitters, no conflicts (2 of 4 stars). 3 submissions from 3 submitters: Uncertain significance (2). 1 of the submissions does not count toward it. Last evaluated 2023-09-14.

Conditions:
VPS13B-related disorder. Also called: VPS13B-related condition.
Inborn genetic diseases. Identifiers: MedGen C0950123, MeSH D030342.
Cohen syndrome (COH1). Also called: Cutis verticis gyrata, retinitis pigmentosa, and sensorineural deafness; PEPPER SYNDROME. Identifiers: Orphanet 193, MedGen C0265223, MONDO:0008999, OMIM 216550.

Allele frequency attached by ClinVar (database versions not stated): gnomAD exomes below 0.00001; TOPMed below 0.00001; gnomAD 0.00001.
gnomAD v4.1: 3 of 1,613,732 alleles (0.00019%); highest among the groups gnomAD compares: African/African-American, 0.0027%; no homozygotes.

Submissions (3):

Ambry Genetics
Classification: Uncertain significance for Inborn genetic diseases. Last evaluated: 2023-09-14. Review status: criteria provided, single submitter. Criteria: Ambry Variant Classification Scheme 2023. Collection method: clinical testing. Allele origin: germline.

Labcorp Genetics (formerly Invitae), Labcorp
Classification: Uncertain significance for Cohen syndrome. Last evaluated: 2021-09-24. Review status: criteria provided, single submitter. Criteria: Invitae Variant Classification Sherloc (09022015). Collection method: clinical testing. Allele origin: germline.
Comment: This sequence change replaces isoleucine with valine at codon 3184 of the VPS13B protein (p.Ile3184Val). The isoleucine residue is weakly conserved and there is a small physicochemical difference between isoleucine and valine. This variant is not present in population databases (ExAC no frequency). This variant has not been reported in the literature in individuals with VPS13B-related conditions. Algorithms developed to predict the effect of missense changes on protein structure and function output the following: SIFT: "Not Available"; PolyPhen-2: "Benign"; Align-GVGD: "Not Available". The valine amino acid residue is found in multiple mammalian species, suggesting that this missense change does not adversely affect protein function. These predictions have not been confirmed by published functional studies and their clinical significance is uncertain. Algorithms developed to predict the effect of sequence changes on RNA splicing suggest that this variant may create or strengthen a splice site, but this prediction has not been confirmed by published transcriptional studies. In summary, the available evidence is currently insufficient to determine the role of this variant in disease. Therefore, it has been classified as a Variant of Uncertain Significance.

PreventionGenetics, part of Exact Sciences
Classification: Uncertain significance for VPS13B-related condition. Last evaluated: 2024-05-31. Review status: no assertion criteria provided. Collection method: clinical testing. Allele origin: germline. Not counted in ClinVar's aggregate classification.
Comment: The VPS13B c.9475A>G variant is predicted to result in the amino acid substitution p.Ile3159Val. To our knowledge, this variant has not been reported in the literature or in gnomAD, indicating this variant is rare. At this time, the clinical significance of this variant is uncertain due to the absence of conclusive functional and genetic evidence.